The following is an entry in ClinVar:

NM_014000.3(VCL):c.1205C>T (p.Pro402Leu)

Gene: VCL (vinculin; plus strand). Cytogenetic location: 10q22.2.
Variant type: single nucleotide variant.
Coding change: c.1205C>T on transcript NM_014000.3 (MANE Select); coding-DNA position 1205, C replaced by T.
Protein change: p.Pro402Leu; replaces proline 402 with leucine.
Molecular consequence: missense variant.
Genome position (GRCh38, 1-based): chr10:74,090,051, C>T. VCF-style: chr10-74090051-C-T. GRCh37 (hg19) VCF-style: chr10-75849809-C-T.
Other names: c.1205C>T, p.Pro402Leu (NM_003373.4); short protein forms P402L.
Identifiers: ClinVar variation 1368403 (VCV001368403.8), dbSNP rs766393966, ClinGen allele CA5562952.

ClinVar aggregate classification (germline): Uncertain significance. Review status: criteria provided, multiple submitters, no conflicts (2 of 4 stars). 3 submissions from 3 submitters: Uncertain significance (3). Last evaluated 2026-03-20.

Conditions:
Cardiovascular phenotype. Identifiers: MedGen CN230736.
VCL-related disorder. Also called: VCL-related condition.
Dilated cardiomyopathy 1W (CMD1W). Identifiers: Orphanet 154, MedGen C1969639, MONDO:0012667, OMIM 611407.

Allele frequency attached by ClinVar (database versions not stated): ExAC 0.00001; gnomAD exomes 0.00002 and 0.00003; TOPMed 0.00002; gnomAD 0.00005.
gnomAD v4.1: 58 of 1,613,786 alleles (0.0036%); highest among the groups gnomAD compares: Non-Finnish European, 0.0044%; no homozygotes.

Submissions (3):

PreventionGenetics, part of Exact Sciences
Classification: Uncertain significance for VCL-related condition. Last evaluated: 2026-03-20. Review status: criteria provided, single submitter. Criteria: ACMG Guidelines, 2015. Collection method: clinical testing. Allele origin: germline.
Comment: The VCL c.1205C>T variant is predicted to result in the amino acid substitution p.Pro402Leu. This variant has been reported as a variant of uncertain significance in individuals with hypertrophic cardiomyopathy or sudden unexplained death (Table S3, Lin et al. 2017. PubMed ID: 29247119; Supplementary data, Marschall et al. 2019. PubMed ID: 31737537). This variant is reported in 0.0046% of alleles in individuals of European (Non-Finnish) descent in gnomAD. At this time, the clinical significance of this variant is uncertain due to the absence of conclusive functional and genetic evidence.

Labcorp Genetics (formerly Invitae), Labcorp
Classification: Uncertain significance for Dilated cardiomyopathy 1W. Last evaluated: 2025-01-27. Review status: criteria provided, single submitter. Criteria: Invitae Variant Classification Sherloc (09022015). Collection method: clinical testing. Allele origin: germline.
Comment: This sequence change replaces proline, which is neutral and non-polar, with leucine, which is neutral and non-polar, at codon 402 of the VCL protein (p.Pro402Leu). This variant is present in population databases (rs766393966, gnomAD 0.005%). This missense change has been observed in individual(s) with suspected hypertrophic cardiomyopathy or who suffered a sudden unexplained death (PMID: 29247119, 31737537). ClinVar contains an entry for this variant (Variation ID: 1368403). An algorithm developed to predict the effect of missense changes on protein structure and function (PolyPhen-2) suggests that this variant¬†is likely to be tolerated. In summary, the available evidence is currently insufficient to determine the role of this variant in disease. Therefore, it has been classified as a Variant of Uncertain Significance.

Ambry Genetics
Classification: Uncertain significance for Cardiovascular phenotype. Last evaluated: 2024-06-16. Review status: criteria provided, single submitter. Criteria: Ambry Variant Classification Scheme 2023. Collection method: clinical testing. Allele origin: germline.

Literature cited by the submitters: PubMed 29247119 (cited by Labcorp Genetics (formerly Invitae), Labcorp); PubMed 31737537 (cited by Labcorp Genetics (formerly Invitae), Labcorp).